The following is an entry in ClinVar:

NM_005670.4(EPM2A):c.477-215G>A

Gene: EPM2A (EPM2A glucan phosphatase, laforin; minus strand). Cytogenetic location: 6q24.3.
Variant type: single nucleotide variant.
Coding change: c.477-215G>A on transcript NM_005670.4 (MANE Select); 215 bases into the intron before coding-DNA position 477, G replaced by A.
Molecular consequence: intron variant.
Genome position (GRCh38, 1-based): chr6:145,635,701, C>T on the plus strand (G>A on the coding strand, the complement: EPM2A is on the minus strand). VCF-style: chr6-145635701-C-T. GRCh37 (hg19) VCF-style: chr6-145956837-C-T.
Other names: c.63-215G>A (NM_001360064.2, NM_001368131.1, NM_001360071.2); c.477-8008G>A (NM_001360057.2); c.477-215G>A (NM_001018041.2, NM_001368130.1); c.15-215G>A (NM_001368129.2, NM_001368132.1).
Identifiers: ClinVar variation 676969 (VCV000676969.1), dbSNP rs75572793, ClinGen allele CA149184205.

ClinVar aggregate classification (germline): Likely benign (1 of 4 stars; one submission).

Allele frequency attached by ClinVar (database versions not stated): 1000 Genomes Project 30x 0.01874; 1000 Genomes Project 0.01937; gnomAD 0.02260 and 0.02272; TOPMed 0.02389; gnomAD exomes 0.02393.
gnomAD v4.1: 12,900 of 544,988 alleles (2.4%); highest among the groups gnomAD compares: South Asian, 2.8%; 222 homozygotes.

Submission:

GeneDx
Classification: Likely benign. Last evaluated: 2018-06-14. Review status: criteria provided, single submitter. Criteria: GeneDx Variant Classification (06012015). Collection method: clinical testing. Allele origin: germline. Affected: yes.
Comment: This variant is considered likely benign or benign based on one or more of the following criteria: it is a conservative change, it occurs at a poorly conserved position in the protein, it is predicted to be benign by multiple in silico algorithms, and/or has population frequency not consistent with disease.